The following is an entry in ClinVar:

NM_000548.5(TSC2):c.3785A>T (p.Lys1262Ile)

Gene: TSC2 (TSC complex subunit 2; plus strand). Cytogenetic location: 16p13.3.
Variant type: single nucleotide variant.
Coding change: c.3785A>T on transcript NM_000548.5 (MANE Select); coding-DNA position 3785, A replaced by T.
Protein change: p.Lys1262Ile; replaces lysine 1262 with isoleucine.
Molecular consequence: missense variant.
Genome position (GRCh38, 1-based): chr16:2,081,769, A>T. VCF-style: chr16-2081769-A-T. GRCh37 (hg19) VCF-style: chr16-2131770-A-T.
Other names: c.3653A>T, p.Lys1218Ile (NM_001077183.3, NM_001370404.1, NM_001406665.1); c.3785A>T, p.Lys1262Ile (NM_001114382.3); c.3545A>T, p.Lys1182Ile (NM_001318827.2); c.3509A>T, p.Lys1170Ile (NM_001318829.2); c.3053A>T, p.Lys1018Ile (NM_001318831.2, NM_001406687.1, NM_001406688.1); c.3686A>T, p.Lys1229Ile (NM_001318832.2); c.3656A>T, p.Lys1219Ile (NM_001363528.2, NM_001370405.1, NM_021055.3); c.3782A>T, p.Lys1261Ile (NM_001406663.1, NM_001406664.1); and 18 more; short protein forms K1169I, K1170I, K1182I, K1229I, K1249I, K1261I, K814I, K1214I.
Identifiers: ClinVar variation 2081896 (VCV002081896.4), dbSNP rs765255206, ClinGen allele CA394293444.

ClinVar aggregate classification (germline): Uncertain significance (1 of 4 stars; one submission).

Conditions:
Tuberous sclerosis 2 (TSC2). Identifiers: Orphanet 805, MedGen C1860707, MONDO:0013199, OMIM 613254.

Submission:

Labcorp Genetics (formerly Invitae), Labcorp
Classification: Uncertain significance for Tuberous sclerosis 2. Last evaluated: 2024-03-20. Review status: criteria provided, single submitter. Criteria: Invitae Variant Classification Sherloc (09022015). Collection method: clinical testing. Allele origin: germline.
Comment: This sequence change replaces lysine, which is basic and polar, with isoleucine, which is neutral and non-polar, at codon 1262 of the TSC2 protein (p.Lys1262Ile). This variant is not present in population databases (gnomAD no frequency). This variant has not been reported in the literature in individuals affected with TSC2-related conditions. ClinVar contains an entry for this variant (Variation ID: 2081896). Advanced modeling of protein sequence and biophysical properties (such as structural, functional, and spatial information, amino acid conservation, physicochemical variation, residue mobility, and thermodynamic stability) performed at Invitae indicates that this missense variant is not expected to disrupt TSC2 protein function with a negative predictive value of 95%. In summary, the available evidence is currently insufficient to determine the role of this variant in disease. Therefore, it has been classified as a Variant of Uncertain Significance.